The following is an entry in ClinVar:

ClinVar aggregate classification (germline): Conflicting classifications of pathogenicity. Review status: criteria provided, conflicting classifications (1 of 4 stars). 2 submissions from 2 submitters: Likely pathogenic (1); Uncertain significance (1). Last evaluated 2024-10-17.

Conditions:
Hereditary hemorrhagic telangiectasia (HHT). Also called: ORW DISEASE; Osler Weber Rendu syndrome; OSLER-RENDU-WEBER DISEASE; Osler hemorrhagic telangiectasia syndrome. Identifiers: Orphanet 774, MedGen C0039445, MONDO:0019180. Disease mechanism: loss of function.

Submissions (2):

Clinical Genetics Laboratory, Skane University Hospital Lund
Classification: Likely pathogenic for Hereditary hemorrhagic telangiectasia. Last evaluated: 2024-10-17. Review status: criteria provided, single submitter. Criteria: ACMG Guidelines, 2015. Collection method: clinical testing. Allele origin: germline. Inheritance: Autosomal dominant inheritance. Affected: yes.
Comment: ENG c.987C>G creates a nucleotide substitution at cDNA position 987 in exon 7 of 15 of ENG (NM_001114753.3), leading to an amino acid exchange of serine to arginine at codon 329 of the ENG protein (p.Ser329Arg). Bioinformatic prediction algorithm for splicing (Splice AI) indicates that the amino acid exchange may affect splicing (SpliceAI score 0.99). This variant is not present in population databases (gnomAD v.4.1.0). The variant has been observed in five individuals with Hereditary Hemorrhagic Telangiectasia (HHT) from two different Swedish families. Four of these individuals were screened on a multigene panel, and none harbored other pathogenic variants known to be associated with HHT. According to the ClinGen Expert Panel Specifications for ENG (Version 1.1.0), this variant has been classified as Likely pathogenic (PS4_supp, PM2_supp, PP1_supp, PP3_supp, PP4_mod).

Blueprint Genetics
Classification: Uncertain significance. Last evaluated: 2022-06-17. Review status: criteria provided, single submitter. Criteria: ACMG Guidelines, 2015. Collection method: clinical testing. Allele origin: germline.

NM_001114753.3(ENG):c.987C>G (p.Ser329Arg)

Gene: ENG (endoglin; minus strand). Cytogenetic location: 9q34.11.
Variant type: single nucleotide variant.
Coding change: c.987C>G on transcript NM_001114753.3 (MANE Select); coding-DNA position 987, C replaced by G.
Protein change: p.Ser329Arg; replaces serine 329 with arginine.
Molecular consequence: missense variant.
Genome position (GRCh38, 1-based): chr9:127,824,804, G>C on the plus strand (C>G on the coding strand, the complement: ENG is on the minus strand). VCF-style: chr9-127824804-G-C. GRCh37 (hg19) VCF-style: chr9-130587083-G-C.
Other names: c.987C>G, p.Ser329Arg (NM_000118.4, NM_001406715.1); c.441C>G, p.Ser147Arg (NM_001278138.2); short protein forms S147R, S329R.
Identifiers: ClinVar variation 3336874 (VCV003336874.3).